The following is an entry in ClinVar:

ClinVar aggregate classification (germline): Pathogenic. Review status: criteria provided, multiple submitters, no conflicts (2 of 4 stars). 3 submissions from 3 submitters: Pathogenic (3). Last evaluated 2026-02-19.

Conditions:
EXT1-related disorder. Also called: EXT1-related condition.
Multiple congenital exostosis (EXT). Also called: Hereditary multiple osteochondromas; MULTIPLE CARTILAGINOUS EXOSTOSES; Multiple exostoses; Multiple osteochondromas; Hereditary multiple exostoses; Hereditary multiple exostosis. Identifiers: Orphanet 321, MedGen C0015306, MONDO:0005508, HP:0002762.

Submissions (3):

GeneDx
Classification: Pathogenic. Last evaluated: 2026-02-19. Review status: criteria provided, single submitter. Criteria: GeneDx Variant Classification Process June 2021. Collection method: clinical testing. Allele origin: germline.
Comment: Nonsense variant predicted to result in protein truncation or nonsense mediated decay in a gene for which loss of function is a known mechanism of disease; Not observed at significant frequency in large population cohorts (gnomAD); This variant is associated with the following publications: (PMID: 40225915, 26961984, 19810120)

PreventionGenetics, part of Exact Sciences
Classification: Pathogenic for EXT1-related condition. Last evaluated: 2025-01-14. Review status: criteria provided, single submitter. Criteria: ACMG Guidelines, 2015. Collection method: clinical testing. Allele origin: germline.
Comment: The EXT1 c.912G>A variant is predicted to result in premature protein termination (p.Trp304*). This variant has been reported in individuals with multiple osteochondromas (see for example, Table 1. Ishimaru et al. 2016. PubMed ID: 26961984). This variant has not been reported in a large population database (gnomAD), indicating this variant is rare. Nonsense variants in EXT1 are expected to be pathogenic. This variant is interpreted as pathogenic.

Labcorp Genetics (formerly Invitae), Labcorp
Classification: Pathogenic for Multiple congenital exostosis. Last evaluated: 2019-07-11. Review status: criteria provided, single submitter. Criteria: Invitae Variant Classification Sherloc (09022015). Collection method: clinical testing. Allele origin: germline.
Comment: This sequence change creates a premature translational stop signal (p.Trp304*) in the EXT1 gene. It is expected to result in an absent or disrupted protein product. This variant is not present in population databases (ExAC no frequency). This variant has been observed in individuals affected with multiple osteochondromas (PMID: 19810120, 26961984). Loss-of-function variants in EXT1 are known to be pathogenic (PMID: 10679937, 11391482, 19810120). For these reasons, this variant has been classified as Pathogenic.

Literature cited by the submitters: PubMed 19810120 (cited by Labcorp Genetics (formerly Invitae), Labcorp); PubMed 26961984 (cited by Labcorp Genetics (formerly Invitae), Labcorp); PubMed 10679937 (cited by Labcorp Genetics (formerly Invitae), Labcorp); PubMed 11391482 (cited by Labcorp Genetics (formerly Invitae), Labcorp).

NM_000127.3(EXT1):c.912G>A (p.Trp304Ter)

Gene: EXT1 (exostosin glycosyltransferase 1; minus strand). Cytogenetic location: 8q24.11.
Variant type: single nucleotide variant.
Coding change: c.912G>A on transcript NM_000127.3 (MANE Select); coding-DNA position 912, G replaced by A.
Protein change: p.Trp304Ter; replaces tryptophan 304 with a stop codon.
Molecular consequence: nonsense.
Genome position (GRCh38, 1-based): chr8:118,110,135, C>T on the plus strand (G>A on the coding strand, the complement: EXT1 is on the minus strand). VCF-style: chr8-118110135-C-T. GRCh37 (hg19) VCF-style: chr8-119122374-C-T.
Other names: short protein forms W304*.
Identifiers: ClinVar variation 960251 (VCV000960251.11), dbSNP rs1817868370, ClinGen allele CA371914776.